The following is an entry in ClinVar:

NM_007294.4(BRCA1):c.-16A>C

Gene: BRCA1 (BRCA1 DNA repair associated; minus strand). Cytogenetic location: 17q21.31.
Variant type: single nucleotide variant.
Coding change: c.-16A>C on transcript NM_007294.4 (MANE Select); 16 bases upstream of the start codon, A replaced by C.
Molecular consequence: 5 prime UTR variant. On other transcripts: non-coding transcript variant (1).
Genome position (GRCh38, 1-based): chr17:43,124,112, T>G on the plus strand (A>C on the coding strand, the complement: BRCA1 is on the minus strand). VCF-style: chr17-43124112-T-G. GRCh37 (hg19) VCF-style: chr17-41276129-T-G.
Other names: c.-204A>C (NM_001407571.1, NM_001407853.1, NM_001407879.1 and 42 more transcripts); c.-16A>C (NM_001407581.1, NM_001407582.1, NM_001407583.1 and 169 more transcripts); c.-273A>C (NM_001407694.1, NM_001407724.1, NM_001407727.1 and 11 more transcripts); c.-277A>C (NM_001407695.1, NM_001408465.1); c.-418A>C (NM_001407696.1); c.-302A>C (NM_001407697.1, NM_001407846.1, NM_001407920.1); c.-103A>C (NM_001407698.1, NM_001407732.1, NM_001407736.1 and 21 more transcripts); c.-276A>C (NM_001407725.1, NM_001407730.1, NM_001407734.1 and 22 more transcripts); and 8 more.
Identifiers: ClinVar variation 869031 (VCV000869031.3), dbSNP rs777262055, ClinGen allele CA916081168.

Conditions:
Breast-ovarian cancer, familial, susceptibility to, 1 (BROVCA1). Also called: BRCA1 Hereditary Breast and Ovarian Cancer; OVARIAN CANCER, SUSCEPTIBILITY TO. Identifiers: Orphanet 145, MedGen C2676676, MONDO:0011450, OMIM 604370. Disease mechanism: loss of function.

Submission:

Brotman Baty Institute, University of Washington
No classification provided (evidence only). Condition: Breast-ovarian cancer, familial 1. Review status: no classification provided. Collection method: in vitro. Allele origin: not applicable. Functional consequence: functionally_normal.
ClinVar note: "not provided" was previously submitted as the classification for the variant. However, the classification appeared to be based only on an observation of functional data so it was converted to no classification on 2025-07-30.